The following is an entry in ClinVar:

ClinVar aggregate classification (germline): Uncertain significance. Review status: criteria provided, multiple submitters, no conflicts (2 of 4 stars). 5 submissions from 5 submitters: Uncertain significance (4). 1 of the submissions does not count toward it. Last evaluated 2023-11-06.

Conditions:
NBN-related disorder. Also called: NBN-related condition.
Hereditary cancer-predisposing syndrome. Also called: Neoplastic Syndromes, Hereditary; Hereditary Cancer Syndrome; Hereditary neoplastic syndrome; Tumor predisposition. Identifiers: Orphanet 140162, MedGen C0027672, MeSH D009386, MONDO:0015356.
Aplastic anemia. Identifiers: Orphanet 182040, Orphanet 88, MedGen C0002874, MONDO:0015909, OMIM 609135, HP:0001915.
Microcephaly, normal intelligence and immunodeficiency (NBS). Also called: Immunodeficiency, microcephaly with normal intelligence; SEEMANOVA SYNDROME II; Nijmegen breakage syndrome; Microcephaly with normal intelligence immunodeficiency and lymphoreticular malignancies; Nonsyndromal microcephaly autosomal recessive with normal intelligence; Seemanova syndrome 2. Identifiers: Orphanet 647, MedGen C0398791, MONDO:0009623, OMIM 251260.

Allele frequency attached by ClinVar (database versions not stated): gnomAD exomes 0.00001.
gnomAD v4.1: 7 of 1,609,668 alleles (0.00043%); highest among the groups gnomAD compares: Non-Finnish European, 0.0006%; no homozygotes.

Submissions (5):

Ambry Genetics
Classification: Uncertain significance for Hereditary cancer-predisposing syndrome. Last evaluated: 2023-11-06. Review status: criteria provided, single submitter. Criteria: Ambry Variant Classification Scheme 2023. Collection method: clinical testing. Allele origin: germline.
Comment: The p.H701Y variant (also known as c.2101C>T), located in coding exon 14 of the NBN gene, results from a C to T substitution at nucleotide position 2101. The histidine at codon 701 is replaced by tyrosine, an amino acid with similar properties. This amino acid position is not well conserved in available vertebrate species. In addition, this alteration is predicted to be tolerated by in silico analysis. Since supporting evidence is limited at this time, the clinical significance of this alteration remains unclear.

Labcorp Genetics (formerly Invitae), Labcorp
Classification: Uncertain significance for Microcephaly, normal intelligence and immunodeficiency. Last evaluated: 2023-11-01. Review status: criteria provided, single submitter. Criteria: Invitae Variant Classification Sherloc (09022015). Collection method: clinical testing. Allele origin: germline.
Comment: This sequence change replaces histidine, which is basic and polar, with tyrosine, which is neutral and polar, at codon 701 of the NBN protein (p.His701Tyr). This variant is not present in population databases (gnomAD no frequency). This variant has not been reported in the literature in individuals affected with NBN-related conditions. ClinVar contains an entry for this variant (Variation ID: 141196). An algorithm developed to predict the effect of missense changes on protein structure and function (PolyPhen-2) suggests that this variant is likely to be tolerated. In summary, the available evidence is currently insufficient to determine the role of this variant in disease. Therefore, it has been classified as a Variant of Uncertain Significance.

Baylor Genetics
Classification: Uncertain significance for Aplastic anemia. Last evaluated: 2023-10-03. Review status: criteria provided, single submitter. Criteria: ACMG Guidelines, 2015. Collection method: clinical testing. Allele origin: unknown.

PreventionGenetics, part of Exact Sciences
Classification: Uncertain significance for NBN-related condition. Last evaluated: 2023-06-05. Review status: criteria provided, single submitter. Criteria: ACMG Guidelines, 2015. Collection method: clinical testing. Allele origin: germline.
Comment: The NBN c.2101C>T variant is predicted to result in the amino acid substitution p.His701Tyr. To our knowledge, this variant has not been reported in the literature or in a large population database, indicating this variant is rare. In ClinVar, this variant is interpreted as uncertain by multiple submitters. At this time, the clinical significance of this variant is uncertain due to the absence of conclusive functional and genetic evidence.

Natera, Inc.
Classification: Uncertain significance for Nijmegen breakage syndrome. Last evaluated: 2021-04-23. Review status: no assertion criteria provided. Collection method: clinical testing. Allele origin: germline. Not counted in ClinVar's aggregate classification.

NM_002485.5(NBN):c.2101C>T (p.His701Tyr)

Gene: NBN (nibrin; minus strand). Cytogenetic location: 8q21.3.
Variant type: single nucleotide variant.
Coding change: c.2101C>T on transcript NM_002485.5 (MANE Select); coding-DNA position 2101, C replaced by T.
Protein change: p.His701Tyr; replaces histidine 701 with tyrosine.
Molecular consequence: missense variant.
Genome position (GRCh38, 1-based): chr8:89,943,336, G>A on the plus strand (C>T on the coding strand, the complement: NBN is on the minus strand). VCF-style: chr8-89943336-G-A. GRCh37 (hg19) VCF-style: chr8-90955564-G-A.
Other names: c.1855C>T, p.His619Tyr (NM_001024688.3); short protein forms H701Y, H619Y.
Identifiers: ClinVar variation 141196 (VCV000141196.16), dbSNP rs587781567, ClinGen allele CA164739.